The following is an entry in ClinVar:

NM_001360016.2(G6PD):c.663C>T (p.Phe221=)

Gene: G6PD (glucose-6-phosphate dehydrogenase; minus strand). Cytogenetic location: Xq28.
Variant type: single nucleotide variant.
Coding change: c.663C>T on transcript NM_001360016.2 (MANE Select); coding-DNA position 663, C replaced by T.
Protein change: p.Phe221=; no amino-acid change (phenylalanine 221 retained).
Molecular consequence: synonymous variant.
Genome position (GRCh38, 1-based): chrX:154,534,142, G>A on the plus strand (C>T on the coding strand, the complement: G6PD is on the minus strand). VCF-style: chrX-154534142-G-A. GRCh37 (hg19) VCF-style: chrX-153762357-G-A.
Other names: p.Phe221=; c.753C>T, p.Phe251= (NM_000402.4); c.663C>T, p.Phe221= (NM_001042351.3).
Identifiers: ClinVar variation 1128518 (VCV001128518.12), dbSNP rs782530472, ClinGen allele CA10566183.
Genomic context (GRCh38, chrX:154,534,142, plus strand): 5'-AAAGGGCTCCTTGAAGGTGAGGATAACGCAGGCGATGTTGTCCCGGTTCCAGATGGGGCC[G>A]AAGATCCTGTTGGCAAATCTGCAGGGAGGGGCAAGGTGGAGGAACTGACCTTGGGCCTCT-3'
Protein context (NP_001346945.1, residues 211-231): LMVLRFANRI[Phe221=]GPIWNRDNIA

ClinVar aggregate classification (germline): Likely benign. Review status: criteria provided, multiple submitters, no conflicts (2 of 4 stars). 4 submissions from 4 submitters: Likely benign (4). Last evaluated 2025-03-27.

Conditions:
Anemia, nonspherocytic hemolytic, due to G6PD deficiency (CNSHA1). Also called: ANEMIA, CONGENITAL, NONSPHEROCYTIC HEMOLYTIC, 1; Hemolytic anemia due to G6PD deficiency; Class I glucose-6-phosphate dehydrogenase deficiency; Favism, susceptibility to. Identifiers: Orphanet 466026, MedGen C2720289, MONDO:0010480, OMIM 300908.

Allele frequency attached by ClinVar (database versions not stated): TOPMed below 0.00001; ExAC 0.00001; gnomAD 0.00001; gnomAD exomes 0.00001.
gnomAD v4.1: 8 of 1,210,540 alleles (0.00066%); highest among the groups gnomAD compares: Non-Finnish European, 0.00089%; no homozygotes.

Submissions (4):

ARUP Laboratories, Molecular Genetics and Genomics, ARUP Laboratories
Classification: Likely benign. Last evaluated: 2025-03-27. Review status: criteria provided, single submitter. Criteria: ARUP Molecular Germline Variant Investigation Process 2024. Collection method: clinical testing. Allele origin: germline.

Mayo Clinic Laboratories, Mayo Clinic
Classification: Likely benign. Last evaluated: 2025-02-04. Review status: criteria provided, single submitter. Criteria: ACMG Guidelines, 2015. Collection method: clinical testing. Allele origin: germline. Observed: 1 variant allele.
Comment: BP4, BP7

Labcorp Genetics (formerly Invitae), Labcorp
Classification: Likely benign for Anemia, nonspherocytic hemolytic, due to G6PD deficiency. Last evaluated: 2024-09-17. Review status: criteria provided, single submitter. Criteria: Invitae Variant Classification Sherloc (09022015). Collection method: clinical testing. Allele origin: germline.

Blueprint Genetics
Classification: Likely benign. Last evaluated: 2023-11-28. Review status: criteria provided, single submitter. Criteria: ACMG Guidelines, 2015. Collection method: clinical testing. Allele origin: germline.